The following is an entry in ClinVar:

NM_017909.4(RMND1):c.463C>T (p.Gln155Ter)

Gene: RMND1 (required for meiotic nuclear division 1 homolog; minus strand). Cytogenetic location: 6q25.1.
Variant type: single nucleotide variant.
Coding change: c.463C>T on transcript NM_017909.4 (MANE Select); coding-DNA position 463, C replaced by T.
Protein change: p.Gln155Ter; replaces glutamine 155 with a stop codon.
Molecular consequence: nonsense. On other transcripts: intron variant (1).
Genome position (GRCh38, 1-based): chr6:151,445,349, G>A on the plus strand (C>T on the coding strand, the complement: RMND1 is on the minus strand). VCF-style: chr6-151445349-G-A. GRCh37 (hg19) VCF-style: chr6-151766484-G-A.
Other names: c.-7+6667C>T (NM_001271937.2); short protein forms Q155*.
Identifiers: ClinVar variation 4818888 (VCV004818888.1).
Genomic context (GRCh38, chr6:151,445,349, plus strand): 5'-ACGGCCACCCCTACTTTACCTCGTTCACAGACAGAACTGGAAGGTTGGTCCTGGATGGCT[G>A]TCTGGTCCTGGATGCTTTTAGTGGTCTCTTCACCTGTGGGAAGTCTTGTTTTGGAACAAA-3'

ClinVar aggregate classification (germline): Pathogenic (1 of 4 stars; one submission).

Conditions:
Combined oxidative phosphorylation defect type 11. Also called: ENCEPHALONEUROMYOPATHY, INFANTILE, DUE TO MITOCHONDRIAL TRANSLATION DEFECT; Combined oxidative phosphorylation deficiency 11. Identifiers: Orphanet 324535, MedGen C5190991, MONDO:0013969, OMIM 614922.

gnomAD v4.1: 2 of 1,613,624 alleles (0.00012%); highest among the groups gnomAD compares: Non-Finnish European, 0.00017%; no homozygotes.

Submission:

MVZ Medizinische Genetik Mainz
Classification: Pathogenic for Combined oxidative phosphorylation defect type 11. Last evaluated: 2026-01-30. Review status: criteria provided, single submitter. Criteria: UK Practice Guidelines For Variant Classification V4 01 2020. Collection method: clinical testing. Allele origin: germline. Inheritance: Autosomal recessive inheritance. Affected: yes. Observed: 1 variant allele.
Comment: ACMG Criteria: PVS1,PM2_SUP,PP4